The following is an entry in ClinVar:

ClinVar aggregate classification (germline): Uncertain significance (1 of 4 stars; one submission).

Conditions:
Cardiovascular phenotype. Identifiers: MedGen CN230736.

Submission:

Ambry Genetics
Classification: Uncertain significance for Cardiovascular phenotype. Last evaluated: 2025-11-18. Review status: criteria provided, single submitter. Criteria: Ambry Variant Classification Scheme 2023. Collection method: clinical testing. Allele origin: germline.
Comment: The p.R383G variant (also known as c.1147A>G), located in coding exon 1 of the ZNF469 gene, results from an A to G substitution at nucleotide position 1147. The arginine at codon 383 is replaced by glycine, an amino acid with dissimilar properties. This amino acid position is conserved. In addition, this alteration is predicted to be tolerated by in silico analysis. Based on the available evidence, the clinical significance of this variant remains unclear.

NM_001127464.1:c.1147A>G

Gene: ZNF469 (zinc finger protein 469; plus strand).
Variant type: single nucleotide variant.
Identifiers: ClinVar variation 4615512 (VCV004615512.1).